The following is an entry in ClinVar:

ClinVar aggregate classification (germline): Uncertain significance (1 of 4 stars; one submission).

Submission:

GeneDx
Classification: Uncertain significance. Last evaluated: 2024-08-05. Review status: criteria provided, single submitter. Criteria: GeneDx Variant Classification Process June 2021. Collection method: clinical testing. Allele origin: germline. Affected: yes.
Comment: Not observed at significant frequency in large population cohorts (gnomAD); In silico analysis indicates that this missense variant does not alter protein structure/function; Has not been previously published as pathogenic or benign to our knowledge

NM_015295.3(SMCHD1):c.5203G>A (p.Asp1735Asn)

Gene: SMCHD1 (structural maintenance of chromosomes flexible hinge domain containing 1; plus strand). Cytogenetic location: 18p11.32.
Variant type: single nucleotide variant.
Coding change: c.5203G>A on transcript NM_015295.3 (MANE Select); coding-DNA position 5203, G replaced by A.
Protein change: p.Asp1735Asn; replaces aspartic acid 1735 with asparagine.
Molecular consequence: missense variant.
Genome position (GRCh38, 1-based): chr18:2,775,761, G>A. VCF-style: chr18-2775761-G-A. GRCh37 (hg19) VCF-style: chr18-2775759-G-A.
Other names: short protein forms D1735N.
Identifiers: ClinVar variation 3603112 (VCV003603112.1).
Genomic context (GRCh38, chr18:2,775,761, plus strand): 5'-TATATTTTTTTACTTTATGAAAATGGGTTATAGATTGCACATCTAGCACAAATTGAAGAT[G>A]ATAGAGCTGCGATGGTTATTTCTTGGCATCTGGCAAGTGACATGGACTGTGTAGTCACCC-3'
Protein context (NP_056110.2, residues 1725-1745): KIAHLAQIED[Asp1735Asn]RAAMVISWHL